The following is an entry in ClinVar:

ClinVar aggregate classification (germline): Likely benign. Review status: criteria provided, single submitter (1 of 4 stars). 2 submissions from 2 submitters: Likely benign (1). 1 of the submissions does not count toward it. Last evaluated 2024-07-17.

Conditions:
CCDC39-related disorder. Also called: CCDC39-related condition.
Primary ciliary dyskinesia. Also called: Ciliary dyskinesia. Identifiers: Orphanet 244, MedGen C0008780, MONDO:0016575, HP:0012265.

Submissions (2):

Labcorp Genetics (formerly Invitae), Labcorp
Classification: Likely benign for Primary ciliary dyskinesia. Last evaluated: 2024-07-17. Review status: criteria provided, single submitter. Criteria: Invitae Variant Classification Sherloc (09022015). Collection method: clinical testing. Allele origin: germline.

PreventionGenetics, part of Exact Sciences
Classification: Likely benign for CCDC39-related condition. Last evaluated: 2019-07-15. Review status: no assertion criteria provided. Collection method: clinical testing. Allele origin: germline. Not counted in ClinVar's aggregate classification.
Comment: This variant is classified as likely benign based on ACMG/AMP sequence variant interpretation guidelines (Richards et al. 2015 PMID: 25741868, with internal and published modifications).

NM_181426.2(CCDC39):c.1167+1258_1167+1270del

Gene: CCDC39 (coiled-coil domain 39 molecular ruler complex subunit; minus strand). Cytogenetic location: 3q26.33.
Variant type: Microsatellite.
Coding change: c.1167+1258_1167+1270del on transcript NM_181426.2 (MANE Select); bases 1258 to 1270 of the intron after coding-DNA position 1167, 13 bases deleted (ACTATAAGTGTGA).
Molecular consequence: intron variant.
Genome position (GRCh38, 1-based): chr3:180,650,131-180,650,143, TCACACTTATAGT deleted on the plus strand (ACTATAAGTGTGA on the coding strand, the reverse complement: CCDC39 is on the minus strand); deleting any 13 consecutive bases within chr3:180,650,131-180,650,160 gives the same sequence; the c. name uses the placement nearest the transcript's 3' end. VCF-style (leftmost placement, unchanged base first): chr3-180650130-GTCACACTTATAGT-G. GRCh37 (hg19) VCF-style: chr3-180367918-GTCACACTTATAGT-G.
Other names: c.1167+1258_1167+1270del13 (NM_181426.1).
Identifiers: ClinVar variation 2901245 (VCV002901245.5), dbSNP rs945414657, ClinGen allele CA88645753.